The following is an entry in ClinVar:

NM_000313.4(PROS1):c.912G>A (p.Glu304=)

Gene: PROS1 (protein S; minus strand). Cytogenetic location: 3q11.1.
Variant type: single nucleotide variant.
Coding change: c.912G>A on transcript NM_000313.4 (MANE Select); coding-DNA position 912, G replaced by A.
Protein change: p.Glu304=; no amino-acid change (glutamic acid 304 retained).
Molecular consequence: synonymous variant.
Genome position (GRCh38, 1-based): chr3:93,896,629, C>T on the plus strand (G>A on the coding strand, the complement: PROS1 is on the minus strand). VCF-style: chr3-93896629-C-T. GRCh37 (hg19) VCF-style: chr3-93615473-C-T.
Other names: c.1008G>A, p.Glu336= (NM_001314077.2).
Identifiers: ClinVar variation 2886434 (VCV002886434.5), dbSNP rs1271603909, ClinGen allele CA434460849.

ClinVar aggregate classification (germline): Likely benign. Review status: criteria provided, single submitter (1 of 4 stars). 2 submissions from 2 submitters: Likely benign (1). 1 of the submissions does not count toward it. Last evaluated 2025-08-13.

Conditions:
PROS1-related disorder. Also called: PROS1-related condition.
Thrombophilia due to protein S deficiency, autosomal recessive (THPH6). Identifiers: Orphanet 743, MedGen C3281092, MONDO:0013791, OMIM 614514. Disease mechanism: loss of function.

Allele frequency attached by ClinVar (database versions not stated): gnomAD 0.00001; gnomAD exomes below 0.00001; TOPMed 0.00001.
gnomAD v4.1: 7 of 1,613,738 alleles (0.00043%); highest among the groups gnomAD compares: African/African-American, 0.0013%; no homozygotes.

Submissions (2):

Labcorp Genetics (formerly Invitae), Labcorp
Classification: Likely benign for Thrombophilia due to protein S deficiency, autosomal recessive. Last evaluated: 2025-08-13. Review status: criteria provided, single submitter. Criteria: Invitae Variant Classification Sherloc (09022015). Collection method: clinical testing. Allele origin: germline.

PreventionGenetics, part of Exact Sciences
Classification: Likely benign for PROS1-related condition. Last evaluated: 2020-03-19. Review status: no assertion criteria provided. Collection method: clinical testing. Allele origin: germline. Not counted in ClinVar's aggregate classification.
Comment: This variant is classified as likely benign based on ACMG/AMP sequence variant interpretation guidelines (Richards et al. 2015 PMID: 25741868, with internal and published modifications).